The following is an entry in ClinVar:

NM_001365999.1(SZT2):c.9327G>T (p.Gln3109His)

Gene: SZT2 (SZT2 subunit of KICSTOR complex; plus strand). Cytogenetic location: 1p34.2.
Variant type: single nucleotide variant.
Coding change: c.9327G>T on transcript NM_001365999.1 (MANE Select); coding-DNA position 9327, G replaced by T.
Protein change: p.Gln3109His; replaces glutamine 3109 with histidine.
Molecular consequence: missense variant.
Genome position (GRCh38, 1-based): chr1:43,447,585, G>T. VCF-style: chr1-43447585-G-T. GRCh37 (hg19) VCF-style: chr1-43913256-G-T.
Other names: c.9156G>T, p.Gln3052His (NM_015284.4); c.768G>T, p.Gln256His (NM_024547.1); short protein forms Q3109H, Q3052H, Q256H.
Identifiers: ClinVar variation 2891603 (VCV002891603.3), dbSNP rs1348799898, ClinGen allele CA340042760.

ClinVar aggregate classification (germline): Uncertain significance (1 of 4 stars; one submission).

Allele frequency attached by ClinVar (database versions not stated): TOPMed below 0.00001; gnomAD 0.00001.
gnomAD v4.1: 2 of 1,614,032 alleles (0.00012%); highest among the groups gnomAD compares: African/African-American, 0.0027%; no homozygotes.

Submission:

Labcorp Genetics (formerly Invitae), Labcorp
Classification: Uncertain significance. Last evaluated: 2023-03-31. Review status: criteria provided, single submitter. Criteria: Invitae Variant Classification Sherloc (09022015). Collection method: clinical testing. Allele origin: germline.
Comment: In summary, the available evidence is currently insufficient to determine the role of this variant in disease. Therefore, it has been classified as a Variant of Uncertain Significance. Algorithms developed to predict the effect of sequence changes on RNA splicing suggest that this variant may disrupt the consensus splice site. Advanced modeling of protein sequence and biophysical properties (such as structural, functional, and spatial information, amino acid conservation, physicochemical variation, residue mobility, and thermodynamic stability) has been performed at Invitae for this missense variant, however the output from this modeling did not meet the statistical confidence thresholds required to predict the impact of this variant on SZT2 protein function. This variant has not been reported in the literature in individuals affected with SZT2-related conditions. This variant is not present in population databases (gnomAD no frequency). This sequence change replaces glutamine, which is neutral and polar, with histidine, which is basic and polar, at codon 3052 of the SZT2 protein (p.Gln3052His).